The following is an entry in ClinVar:

NM_177438.3(DICER1):c.5425G>C (p.Gly1809Arg)

Gene: DICER1 (dicer 1, ribonuclease III; minus strand). Cytogenetic location: 14q32.13.
Variant type: single nucleotide variant.
Coding change: c.5425G>C on transcript NM_177438.3 (MANE Select); coding-DNA position 5425, G replaced by C.
Protein change: p.Gly1809Arg; replaces glycine 1809 with arginine.
Molecular consequence: missense variant. On other transcripts: intron variant (1).
Genome position (GRCh38, 1-based): chr14:95,091,305, C>G on the plus strand (G>C on the coding strand, the complement: DICER1 is on the minus strand). VCF-style: chr14-95091305-C-G. GRCh37 (hg19) VCF-style: chr14-95557642-C-G.
Other names: NM_177438.3(DICER1):c.5425G>C; p.Gly1809Arg; c.5425G>C, p.Gly1809Arg (NM_001271282.3, NM_001291628.2, NM_030621.4); c.5365-196G>C (NM_001195573.1); short protein forms G1809R.
Identifiers: ClinVar variation 933077 (VCV000933077.7), dbSNP rs1595314951, ClinGen allele CA390864684.

ClinVar aggregate classification (germline): Likely pathogenic. Review status: reviewed by expert panel (3 of 4 stars). 4 submissions from 4 submitters: Likely pathogenic (1). 3 of the submissions do not count toward it. Last evaluated 2026-01-06.

Conditions:
Hereditary cancer-predisposing syndrome. Also called: Tumor predisposition; Hereditary neoplastic syndrome; Neoplastic Syndromes, Hereditary; Hereditary Cancer Syndrome. Identifiers: Orphanet 140162, MedGen C0027672, MeSH D009386, MONDO:0015356.
DICER1-related tumor predisposition. Also called: DICER1-related pleuropulmonary blastoma cancer predisposition syndrome; DICER1 syndrome. Identifiers: Orphanet 284343, MedGen C3839822, MONDO:0100216.

Submissions (4):

ClinGen DICER1 and miRNA-Processing Gene Variant Curation Expert Panel, ClinGen
Classification: Likely pathogenic for DICER1-related tumor predisposition. Last evaluated: 2026-01-06. Review status: reviewed by expert panel. Criteria: ClinGen DICER1 ACMG Specifications DICER1 V1.4.0. Collection method: curation. Allele origin: germline. Inheritance: Autosomal dominant inheritance.
Comment: The NM_177438.3:c.5425G>C variant in DICER1 is a missense variant predicted to cause substitution of glycine by arginine at amino acid 1809 (p.Gly1809Arg). Although this variant has been observed at reduced allele frequency in an individual undergoing genetic sequencing, to our knowledge, this variant has not been reported in individuals with DICER1-related tumor predisposition (PS4 not met; Internal lab contributor). This variant is absent from gnomAD v4.1.0 (PM2_Supporting). In silico tools predict damaging impact of the variant on protein function (REVEL: 0.852) (PP3). This variant resides in the p.G1809 metal ion-binding residue located in the RNase IIIb domain of DICER1, that is defined as a mutational hotspot and critical functional domain by the ClinGen DICER1 VCEP (PM1; PMID: 31342592). The same amino acid change (p.Gly1809Arg), resulting from a different nucleotide change (c.5425G>A; ClinVar ID: 661301), is classified as pathogenic for DICER1-related tumor predisposition by the ClinGen DICER1 and miRNA-Processing Gene Variant Curation Expert Panel (ClinVar SCV: SCV004032134.1). Splicing prediction using MaxEntScan and SpliceAI revealed no expected effects on splicing due to either variant (PS1). In summary, this variant meets the criteria to be classified as Likely Pathogenic for DICER1-related tumor predisposition based on the ACMG/AMP criteria applied, as specified by the ClinGen DICER1 VCEP: PM2_Supporting, PP3, PM1, PS1. (Bayesian Points: 8; VCEP specifications version 1.4.0; 01/06/2026).

Ambry Genetics
Classification: Uncertain significance for Hereditary cancer-predisposing syndrome. Last evaluated: 2025-09-25. Review status: criteria provided, single submitter. Criteria: Ambry Variant Classification Scheme 2023. Collection method: clinical testing. Allele origin: germline. Not counted in ClinVar's aggregate classification.
Comment: The p.G1809R variant (also known as c.5425G>C), located in coding exon 24 of the DICER1 gene, results from a G to C substitution at nucleotide position 5425. The glycine at codon 1809 is replaced by arginine, an amino acid with dissimilar properties. This amino acid position is highly conserved in available vertebrate species. In addition, this alteration is predicted to be deleterious by in silico analysis. Based on the available evidence, the clinical significance of this variant remains unclear.

Labcorp Genetics (formerly Invitae), Labcorp
Classification: Uncertain significance for DICER1-related tumor predisposition. Last evaluated: 2024-11-25. Review status: criteria provided, single submitter. Criteria: Invitae Variant Classification Sherloc (09022015). Collection method: clinical testing. Allele origin: germline. Not counted in ClinVar's aggregate classification.
Comment: This sequence change replaces glycine, which is neutral and non-polar, with arginine, which is basic and polar, at codon 1809 of the DICER1 protein (p.Gly1809Arg). This variant is not present in population databases (gnomAD no frequency). This variant has not been reported in the literature in individuals affected with DICER1-related conditions. ClinVar contains an entry for this variant (Variation ID: 933077). Invitae Evidence Modeling of protein sequence and biophysical properties (such as structural, functional, and spatial information, amino acid conservation, physicochemical variation, residue mobility, and thermodynamic stability) indicates that this missense variant is expected to disrupt DICER1 protein function with a positive predictive value of 95%. Experimental studies have shown that this missense change affects DICER1 function (PMID: 25190313, 26033159, 26928971). In summary, the available evidence is currently insufficient to determine the role of this variant in disease. Therefore, it has been classified as a Variant of Uncertain Significance.

Foulkes Cancer Genetics LDI, Lady Davis Institute for Medical Research
Classification: Pathogenic for Pleuropulmonary blastoma. Last evaluated: 2019-07-01. Review status: criteria provided, single submitter. Criteria: ACMG Guidelines, 2015. Collection method: curation. Allele origin: somatic. Affected: yes. Observed: 2 variant alleles. Not counted in ClinVar's aggregate classification.
Comment: ACMG criteria met: PS3, PM1, PM2, PM7, PP3, PP4, BP1

Literature cited by the submitters: PubMed 25190313 (cited by Labcorp Genetics (formerly Invitae), Labcorp); PubMed 26033159 (cited by Labcorp Genetics (formerly Invitae), Labcorp); PubMed 26928971 (cited by Labcorp Genetics (formerly Invitae), Labcorp); PubMed 24909177 (cited by Foulkes Cancer Genetics LDI, Lady Davis Institute for Medical Research).